The following is an entry in ClinVar:

ClinVar aggregate classification (germline): Uncertain significance. Review status: criteria provided, multiple submitters, no conflicts (2 of 4 stars). 2 submissions from 2 submitters: Uncertain significance (2). Last evaluated 2025-10-15.

Conditions:
Inborn genetic diseases. Identifiers: MedGen C0950123, MeSH D030342.

Allele frequency attached by ClinVar (database versions not stated): gnomAD 0.00005 and 0.00006; TOPMed 0.00006.
gnomAD v4.1: 92 of 1,408,954 alleles (0.0065%); highest among the groups gnomAD compares: Non-Finnish European, 0.0075%; no homozygotes.

Submissions (2):

Labcorp Genetics (formerly Invitae), Labcorp
Classification: Uncertain significance. Last evaluated: 2025-10-15. Review status: criteria provided, single submitter. Criteria: Invitae Variant Classification Sherloc (09022015). Collection method: clinical testing. Allele origin: germline.
Comment: This sequence change replaces proline, which is neutral and non-polar, with leucine, which is neutral and non-polar, at codon 1004 of the ADAMTS10 protein (p.Pro1004Leu). This variant is present in population databases (no rsID available, gnomAD no frequency). This variant has not been reported in the literature in individuals affected with ADAMTS10-related conditions. ClinVar contains an entry for this variant (Variation ID: 1018281). An algorithm developed to predict the effect of missense changes on protein structure and function (PolyPhen-2) suggests that this variant is likely to be disruptive. In summary, the available evidence is currently insufficient to determine the role of this variant in disease. Therefore, it has been classified as a Variant of Uncertain Significance.

Ambry Genetics
Classification: Uncertain significance for Inborn genetic diseases. Last evaluated: 2021-10-19. Review status: criteria provided, single submitter. Criteria: Ambry Variant Classification Scheme 2023. Collection method: clinical testing. Allele origin: germline.

NM_030957.4(ADAMTS10):c.3011C>T (p.Pro1004Leu)

Gene: ADAMTS10 (ADAM metallopeptidase with thrombospondin type 1 motif 10; minus strand). Cytogenetic location: 19p13.2.
Variant type: single nucleotide variant.
Coding change: c.3011C>T on transcript NM_030957.4 (MANE Select); coding-DNA position 3011, C replaced by T.
Protein change: p.Pro1004Leu; replaces proline 1004 with leucine.
Molecular consequence: missense variant.
Genome position (GRCh38, 1-based): chr19:8,585,163, G>A on the plus strand (C>T on the coding strand, the complement: ADAMTS10 is on the minus strand). VCF-style: chr19-8585163-G-A. GRCh37 (hg19) VCF-style: chr19-8650047-G-A.
Other names: c.3011C>T (NM_030957.2); c.1472C>T, p.Pro491Leu (NM_001282352.2); short protein forms P1004L, P491L.
Identifiers: ClinVar variation 1018281 (VCV001018281.5), dbSNP rs1048839183, ClinGen allele CA304997191.